The following is an entry in ClinVar:

ClinVar aggregate classification (germline): Uncertain significance. Review status: criteria provided, multiple submitters, no conflicts (2 of 4 stars). 2 submissions from 2 submitters: Uncertain significance (2). Last evaluated 2025-12-02.

Conditions:
Inborn genetic diseases. Identifiers: MedGen C0950123, MeSH D030342.

gnomAD v4.1: 3 of 1,613,872 alleles (0.00019%); highest among the groups gnomAD compares: African/African-American, 0.0013%; no homozygotes.

Submissions (2):

Ambry Genetics
Classification: Uncertain significance for Inborn genetic diseases. Last evaluated: 2025-12-02. Review status: criteria provided, single submitter. Criteria: Ambry Variant Classification Scheme 2023. Collection method: clinical testing. Allele origin: germline.

Labcorp Genetics (formerly Invitae), Labcorp
Classification: Uncertain significance. Last evaluated: 2025-05-15. Review status: criteria provided, single submitter. Criteria: Invitae Variant Classification Sherloc (09022015). Collection method: clinical testing. Allele origin: germline.
Comment: This sequence change replaces glutamic acid, which is acidic and polar, with lysine, which is basic and polar, at codon 59 of the RERE protein (p.Glu59Lys). This variant is not present in population databases (gnomAD no frequency). This variant has not been reported in the literature in individuals affected with RERE-related conditions. Invitae Evidence Modeling of protein sequence and biophysical properties (such as structural, functional, and spatial information, amino acid conservation, physicochemical variation, residue mobility, and thermodynamic stability) indicates that this missense variant is not expected to disrupt RERE protein function with a negative predictive value of 95%. In summary, the available evidence is currently insufficient to determine the role of this variant in disease. Therefore, it has been classified as a Variant of Uncertain Significance.

NM_001042681.2(RERE):c.175G>A (p.Glu59Lys)

Gene: RERE (arginine-glutamic acid dipeptide repeats; minus strand). Cytogenetic location: 1p36.23.
Variant type: single nucleotide variant.
Coding change: c.175G>A on transcript NM_001042681.2 (MANE Select); coding-DNA position 175, G replaced by A.
Protein change: p.Glu59Lys; replaces glutamic acid 59 with lysine.
Molecular consequence: missense variant.
Genome position (GRCh38, 1-based): chr1:8,656,123, C>T on the plus strand (G>A on the coding strand, the complement: RERE is on the minus strand). VCF-style: chr1-8656123-C-T. GRCh37 (hg19) VCF-style: chr1-8716182-C-T.
Other names: c.175G>A, p.Glu59Lys (NM_012102.4); short protein forms E59K.
Identifiers: ClinVar variation 4629051 (VCV004629051.2).